The following is an entry in ClinVar:

ClinVar aggregate classification (germline): Likely benign. Review status: criteria provided, multiple submitters, no conflicts (2 of 4 stars). 4 submissions from 4 submitters: Likely benign (4). Last evaluated 2026-06-01.

Allele frequency attached by ClinVar (database versions not stated): ExAC 0.00087; gnomAD exomes 0.00104; 1000 Genomes Project 0.00220; ESP Exome Variant Server 0.00231; gnomAD 0.00255 and 0.00278.

Submissions (4):

CeGaT Center for Human Genetics Tuebingen
Classification: Likely benign. Last evaluated: 2026-06-01. Review status: criteria provided, single submitter. Criteria: CeGaT Center For Human Genetics Tuebingen Variant Classification Criteria Version 2. Collection method: clinical testing. Allele origin: germline. Affected: yes. Observed: 8 variant alleles.
Comment: POLR2A: BP4, BP7, BS1

Blueprint Genetics
Classification: Likely benign. Last evaluated: 2024-11-27. Review status: criteria provided, single submitter. Criteria: ACMG Guidelines, 2015. Collection method: clinical testing. Allele origin: germline.

Labcorp Genetics (formerly Invitae), Labcorp
Classification: Likely benign. Last evaluated: 2018-04-16. Review status: criteria provided, single submitter. Criteria: Invitae Variant Classification Sherloc (09022015). Collection method: clinical testing. Allele origin: germline.

Breakthrough Genomics
Classification: Likely benign. Review status: criteria provided, single submitter. Criteria: ACMG Guidelines, 2015. Collection method: not provided. Allele origin: germline. Inheritance: Autosomal dominant inheritance. Affected: yes.

NM_000937.5(POLR2A):c.4995G>A (p.Ser1665=)

Gene: POLR2A (RNA polymerase II subunit A; plus strand). Cytogenetic location: 17p13.1.
Variant type: single nucleotide variant.
Coding change: c.4995G>A on transcript NM_000937.5 (MANE Select); coding-DNA position 4995, G replaced by A.
Protein change: p.Ser1665=; no amino-acid change (serine 1665 retained).
Molecular consequence: synonymous variant.
Genome position (GRCh38, 1-based): chr17:7,513,259, G>A. VCF-style: chr17-7513259-G-A. GRCh37 (hg19) VCF-style: chr17-7416578-G-A.
Identifiers: ClinVar variation 713370 (VCV000713370.28), dbSNP rs139493925, ClinGen allele CA8350467.